The following is an entry in ClinVar:

NM_004612.4(TGFBR1):c.257G>A (p.Cys86Tyr)

Gene: TGFBR1 (transforming growth factor beta receptor 1; plus strand). Cytogenetic location: 9q22.33.
Variant type: single nucleotide variant.
Coding change: c.257G>A on transcript NM_004612.4 (MANE Select); coding-DNA position 257, G replaced by A.
Protein change: p.Cys86Tyr; replaces cysteine 86 with tyrosine.
Molecular consequence: missense variant.
Genome position (GRCh38, 1-based): chr9:99,129,014, G>A. VCF-style: chr9-99129014-G-A. GRCh37 (hg19) VCF-style: chr9-101891296-G-A.
Other names: c.257G>A, p.Cys86Tyr (NM_001130916.3, NM_001306210.2); short protein forms C86Y.
Identifiers: ClinVar variation 1518899 (VCV001518899.8), dbSNP rs2118570305, ClinGen allele CA374225988.

ClinVar aggregate classification (germline): Uncertain significance (1 of 4 stars; one submission).

Conditions:
Familial thoracic aortic aneurysm and aortic dissection (TAAD). Also called: Thoracic aortic aneurysms and dissections. Identifiers: Orphanet 91387, MedGen C4707243, MONDO:0019625.

Submission:

Labcorp Genetics (formerly Invitae), Labcorp
Classification: Uncertain significance for Familial thoracic aortic aneurysm and aortic dissection. Last evaluated: 2025-05-05. Review status: criteria provided, single submitter. Criteria: Invitae Variant Classification Sherloc (09022015). Collection method: clinical testing. Allele origin: germline.
Comment: This sequence change replaces cysteine, which is neutral and slightly polar, with tyrosine, which is neutral and polar, at codon 86 of the TGFBR1 protein (p.Cys86Tyr). This variant is not present in population databases (gnomAD no frequency). This variant has not been reported in the literature in individuals affected with TGFBR1-related conditions. ClinVar contains an entry for this variant (Variation ID: 1518899). Invitae Evidence Modeling of protein sequence and biophysical properties (such as structural, functional, and spatial information, amino acid conservation, physicochemical variation, residue mobility, and thermodynamic stability) indicates that this missense variant is expected to disrupt TGFBR1 protein function with a positive predictive value of 80%. In summary, the available evidence is currently insufficient to determine the role of this variant in disease. Therefore, it has been classified as a Variant of Uncertain Significance.